The following is an entry in ClinVar:

ClinVar aggregate classification (germline): Uncertain significance. Review status: criteria provided, multiple submitters, no conflicts (2 of 4 stars). 5 submissions from 5 submitters: Uncertain significance (5). Last evaluated 2025-10-02.

Conditions:
Ehlers-Danlos syndrome (EDS). Identifiers: Orphanet 98249, MedGen C0013720, MONDO:0020066.
Familial thoracic aortic aneurysm and aortic dissection (TAAD). Also called: Thoracic aortic aneurysms and dissections. Identifiers: Orphanet 91387, MedGen C4707243, MONDO:0019625.
Ehlers-Danlos syndrome, type 4 (EDSVASC). Also called: Ehlers-Danlos syndrome vascular type; Ehlers Danlos syndrome, ecchymotic type; Ehlers Danlos syndrome, arterial type; Ehlers Danlos syndrome, Sack-Barabas type; Ehlers-Danlos Syndrome Type IV. Identifiers: Orphanet 286, MedGen C0268338, MONDO:0017314, OMIM 130050.

gnomAD v4.1: 3 of 1,613,634 alleles (0.00019%); highest among the groups gnomAD compares: Non-Finnish European, 0.00025%; no homozygotes.

Submissions (5):

Ambry Genetics
Classification: Uncertain significance for Familial thoracic aortic aneurysm and aortic dissection. Last evaluated: 2025-10-02. Review status: criteria provided, single submitter. Criteria: Ambry Variant Classification Scheme 2023. Collection method: clinical testing. Allele origin: germline.
Comment: The p.R242G variant (also known as c.724C>G), located in coding exon 9 of the COL3A1 gene, results from a C to G substitution at nucleotide position 724. The arginine at codon 242 is replaced by glycine, an amino acid with dissimilar properties. This variant was reported in individual(s) with features consistent with COL3A1-related Ehlers-Danlos syndrome (external communication; Ambry internal data). This amino acid position is highly conserved in available vertebrate species. In addition, the in silico prediction for this alteration is inconclusive. Based on the available evidence, the clinical significance of this variant remains unclear.

All of Us Research Program, National Institutes of Health
Classification: Uncertain significance for Ehlers-Danlos syndrome, type 4. Last evaluated: 2023-05-16. Review status: criteria provided, single submitter. Criteria: ACMG Guidelines, 2015. Collection method: clinical testing. Allele origin: germline. Inheritance: Autosomal dominant inheritance. Observed: 1 variant allele, 1 heterozygote.
Comment: This missense variant replaces arginine with glycine at codon 242 of the COL3A1 protein. Computational prediction is inconclusive regarding the impact of this variant on protein structure and function (internally defined REVEL score threshold 0.5 < inconclusive < 0.7, PMID: 27666373). To our knowledge, functional studies have not been reported for this variant. This variant has not been reported in individuals affected with COL3A1-related disorders in the literature. This variant has not been identified in the general population by the Genome Aggregation Database (gnomAD). The available evidence is insufficient to determine the role of this variant in disease conclusively. Therefore, this variant is classified as a Variant of Uncertain Significance.

This study involves interpretation of variants in research participants for the purpose of population health screening. Participant phenotype was not available at the time of variant classification. Additional details can be found in publication PMID: 35346344, PMCID: PMC8962531

Genome Diagnostics Laboratory, The Hospital for Sick Children
Classification: Uncertain significance for Ehlers-Danlos syndrome. Last evaluated: 2021-05-07. Review status: criteria provided, single submitter. Criteria: ACMG Guidelines, 2015. Collection method: clinical testing. Allele origin: germline.

Labcorp Genetics (formerly Invitae), Labcorp
Classification: Uncertain significance for Ehlers-Danlos syndrome, type 4. Last evaluated: 2021-03-12. Review status: criteria provided, single submitter. Criteria: Invitae Variant Classification Sherloc (09022015). Collection method: clinical testing. Allele origin: germline.
Comment: This sequence change replaces arginine with glycine at codon 242 of the COL3A1 protein (p.Arg242Gly). The arginine residue is highly conserved and there is a moderate physicochemical difference between arginine and glycine. This variant is not present in population databases (ExAC no frequency). This variant has been observed in individual(s) with clinical features of COL3A1-related conditions (Invitae). Advanced modeling of protein sequence and biophysical properties (such as structural, functional, and spatial information, amino acid conservation, physicochemical variation, residue mobility, and thermodynamic stability) performed at Invitae indicates that this missense variant is not expected to disrupt COL3A1 protein function. In summary, the available evidence is currently insufficient to determine the role of this variant in disease. Therefore, it has been classified as a Variant of Uncertain Significance.

GeneDx
Classification: Uncertain significance. Last evaluated: 2019-05-29. Review status: criteria provided, single submitter. Criteria: GeneDx Variant Classification Process June 2021. Collection method: clinical testing. Allele origin: germline. Affected: yes.
Comment: Has not been previously published as pathogenic or benign to our knowledge; In silico analysis, which includes protein predictors and evolutionary conservation, supports a deleterious effect; Occurs in the triple helical domain at the Y position in the canonical Gly-X-Y repeat. Although this variant may have an effect on normal protein folding and function, missense substitution at the Y position is not a common mechanism of disease (Stenson et al., 2014); Not observed in large population cohorts (Lek et al., 2016)

NM_000090.4(COL3A1):c.724C>G (p.Arg242Gly)

Gene: COL3A1 (collagen type III alpha 1 chain; plus strand). Cytogenetic location: 2q32.2.
Variant type: single nucleotide variant.
Coding change: c.724C>G on transcript NM_000090.4 (MANE Select); coding-DNA position 724, C replaced by G.
Protein change: p.Arg242Gly; replaces arginine 242 with glycine.
Molecular consequence: missense variant.
Genome position (GRCh38, 1-based): chr2:188,990,129, C>G. VCF-style: chr2-188990129-C-G. GRCh37 (hg19) VCF-style: chr2-189854855-C-G.
Other names: short protein forms R242G.
Identifiers: ClinVar variation 1306170 (VCV001306170.14), dbSNP rs1333421028, ClinGen allele CA349849028.